The following is an entry in ClinVar:

ClinVar aggregate classification (germline): Uncertain significance (1 of 4 stars; one submission).

Conditions:
Neutropenia, severe congenital, 2, autosomal dominant. Identifiers: Orphanet 486, MedGen C2751288, MONDO:0013139, OMIM 613107.

Submission:

Labcorp Genetics (formerly Invitae), Labcorp
Classification: Uncertain significance for Neutropenia, severe congenital, 2, autosomal dominant. Last evaluated: 2025-08-22. Review status: criteria provided, single submitter. Criteria: Invitae Variant Classification Sherloc (09022015). Collection method: clinical testing. Allele origin: germline.
Comment: This sequence change replaces glycine, which is neutral and non-polar, with valine, which is neutral and non-polar, at codon 129 of the GFI1 protein (p.Gly129Val). This variant is not present in population databases (gnomAD no frequency). This variant has not been reported in the literature in individuals affected with GFI1-related conditions. Invitae Evidence Modeling of protein sequence and biophysical properties (such as structural, functional, and spatial information, amino acid conservation, physicochemical variation, residue mobility, and thermodynamic stability) indicates that this missense variant is not expected to disrupt GFI1 protein function with a negative predictive value of 80%. In summary, the available evidence is currently insufficient to determine the role of this variant in disease. Therefore, it has been classified as a Variant of Uncertain Significance.

NM_005263.5(GFI1):c.386G>T (p.Gly129Val)

Gene: GFI1 (growth factor independent 1 transcriptional repressor; minus strand). Cytogenetic location: 1p22.1.
Variant type: single nucleotide variant.
Coding change: c.386G>T on transcript NM_005263.5 (MANE Select); coding-DNA position 386, G replaced by T.
Protein change: p.Gly129Val; replaces glycine 129 with valine.
Molecular consequence: missense variant.
Genome position (GRCh38, 1-based): chr1:92,481,001, C>A on the plus strand (G>T on the coding strand, the complement: GFI1 is on the minus strand). VCF-style: chr1-92481001-C-A. GRCh37 (hg19) VCF-style: chr1-92946558-C-A.
Other names: c.386G>T, p.Gly129Val (NM_001127215.3, NM_001127216.3); short protein forms G129V.
Identifiers: ClinVar variation 4742259 (VCV004742259.1).